The following is an entry in ClinVar:

NM_001256627.2(BRSK2):c.1940-2A>C

Gene: BRSK2 (BR serine/threonine kinase 2; plus strand). Cytogenetic location: 11p15.5.
Variant type: single nucleotide variant.
Coding change: c.1940-2A>C on transcript NM_001256627.2 (MANE Select); the canonical splice acceptor site of the intron before coding-DNA position 1940, A replaced by C.
Molecular consequence: splice acceptor variant. On other transcripts: intron variant (5).
Genome position (GRCh38, 1-based): chr11:1,459,190, A>C. VCF-style: chr11-1459190-A-C. GRCh37 (hg19) VCF-style: chr11-1480420-A-C.
Other names: c.2372-2A>C (NM_001440665.1); c.2006-2A>C (NM_001440668.1); c.2006-1780A>C (NM_001440670.1); c.2306-2A>C (NM_001440666.1); c.*10-1780A>C (NM_001256629.2, NM_001282218.2); c.1940-2A>C (NM_003957.4); c.1760-2A>C (NM_001440674.1, NM_001440669.1, NM_001440673.1 and 1 more transcripts); c.1826-2A>C (NM_001440671.1); and 3 more.
Identifiers: ClinVar variation 4813882 (VCV004813882.2).

ClinVar aggregate classification (germline): Likely pathogenic (1 of 4 stars; one submission).

Submission:

GeneDx
Classification: Likely pathogenic. Last evaluated: 2026-10-06. Review status: criteria provided, single submitter. Criteria: GeneDx Variant Classification Process June 2021. Collection method: clinical testing. Allele origin: germline.
Comment: Canonical splice site variant predicted to result in an in-frame loss of the adjacent exon in a gene for which loss of function is a known mechanism of disease; Not observed at significant frequency in large population cohorts (gnomAD); Has not been previously published as pathogenic or benign to our knowledge